The following is an entry in ClinVar:

NM_000744.7(CHRNA4):c.1353G>A (p.Pro451=)

Gene: CHRNA4 (cholinergic receptor nicotinic alpha 4 subunit; minus strand). Cytogenetic location: 20q13.33.
Variant type: single nucleotide variant.
Coding change: c.1353G>A on transcript NM_000744.7 (MANE Select); coding-DNA position 1353, G replaced by A.
Protein change: p.Pro451=; no amino-acid change (proline 451 retained).
Molecular consequence: synonymous variant. On other transcripts: non-coding transcript variant (1).
Genome position (GRCh38, 1-based): chr20:63,350,058, C>T on the plus strand (G>A on the coding strand, the complement: CHRNA4 is on the minus strand). VCF-style: chr20-63350058-C-T. GRCh37 (hg19) VCF-style: chr20-61981410-C-T.
Other names: p.P451P:CCG>CCA; c.825G>A, p.Pro275= (NM_001256573.2).
Identifiers: ClinVar variation 128745 (VCV000128745.49), dbSNP rs113168860, ClinGen allele CA288718.

ClinVar aggregate classification (germline): Benign/Likely benign. Review status: criteria provided, multiple submitters, no conflicts (2 of 4 stars). 9 submissions from 9 submitters: Benign (4); Likely benign (5). Last evaluated 2026-03-01.

Conditions:
Familial sleep-related hypermotor epilepsy. Also called: Autosomal Dominant Sleep-Related Hypermotor (Hyperkinetic) Epilepsy. Identifiers: Orphanet 98784, MedGen C3696898, MONDO:0000030.
Inborn genetic diseases. Identifiers: MedGen C0950123, MeSH D030342.

Allele frequency attached by ClinVar (database versions not stated): gnomAD exomes 0.00036 and 0.00089; ExAC 0.00151; ESP Exome Variant Server 0.00162; gnomAD 0.00210 and 0.00222; TOPMed 0.00250; 1000 Genomes Project 0.00280; 1000 Genomes Project 30x 0.00297.
gnomAD v4.1: 835 of 1,510,934 alleles (0.055%); highest among the groups gnomAD compares: African/African-American, 0.75%; 3 homozygotes.

Submissions (9):

CeGaT Center for Human Genetics Tuebingen
Classification: Likely benign. Last evaluated: 2026-03-01. Review status: criteria provided, single submitter. Criteria: CeGaT Center For Human Genetics Tuebingen Variant Classification Criteria Version 2. Collection method: clinical testing. Allele origin: germline. Affected: yes. Observed: 4 variant alleles.
Comment: CHRNA4: BP4, BP7

Labcorp Genetics (formerly Invitae), Labcorp
Classification: Benign. Last evaluated: 2026-01-25. Review status: criteria provided, single submitter. Criteria: Invitae Variant Classification Sherloc (09022015). Collection method: clinical testing. Allele origin: germline.

Blueprint Genetics
Classification: Likely benign. Last evaluated: 2024-11-28. Review status: criteria provided, single submitter. Criteria: ACMG Guidelines, 2015. Collection method: clinical testing. Allele origin: germline.

Athena Diagnostics
Classification: Benign. Last evaluated: 2024-01-31. Review status: criteria provided, single submitter. Criteria: Athena Diagnostics Criteria. Collection method: clinical testing. Allele origin: unknown.

Eurofins Ntd Llc (ga)
Classification: Benign. Last evaluated: 2016-09-20. Review status: criteria provided, single submitter. Criteria: EGL Classification Definitions 2015. Collection method: clinical testing. Allele origin: germline. Observed: 1 variant allele, 1 heterozygote.

Ambry Genetics
Classification: Likely benign for Inborn genetic diseases. Last evaluated: 2016-09-06. Review status: criteria provided, single submitter. Criteria: Ambry Variant Classification Scheme 2023. Collection method: clinical testing. Allele origin: germline.

Genetic Services Laboratory, University of Chicago
Classification: Likely benign for AllHighlyPenetrant. Last evaluated: 2013-08-27. Review status: criteria provided, single submitter. Criteria: ACMG Guidelines, 2007. Collection method: clinical testing. Allele origin: germline. Inheritance: Autosomal dominant inheritance.

GeneDx
Classification: Benign. Last evaluated: 2013-03-15. Review status: criteria provided, single submitter. Criteria: GeneDx Variant Classification (06012015). Collection method: clinical testing. Allele origin: germline. Affected: yes.
Comment: This variant is considered likely benign or benign based on one or more of the following criteria: it is a conservative change, it occurs at a poorly conserved position in the protein, it is predicted to be benign by multiple in silico algorithms, and/or has population frequency not consistent with disease.

Breakthrough Genomics
Classification: Likely benign. Review status: criteria provided, single submitter. Criteria: ACMG Guidelines, 2015. Collection method: not provided. Allele origin: germline. Inheritance: Autosomal dominant inheritance. Affected: yes.

Literature cited by the submitters: PubMed 21683344 (cited by Athena Diagnostics).